The following is an entry in ClinVar:

ClinVar aggregate classification (germline): Conflicting classifications of pathogenicity. Review status: criteria provided, conflicting classifications (1 of 4 stars). 6 submissions from 6 submitters: Uncertain significance (1); Benign (1); Likely benign (4). Last evaluated 2026-03-01.

Conditions:
Hereditary spastic paraplegia 11. Also called: SPASTIC PARAPLEGIA, AUTOSOMAL RECESSIVE, COMPLICATED, WITH THIN CORPUS CALLOSUM; SPASTIC PARAPLEGIA, AUTOSOMAL RECESSIVE, WITH MENTAL IMPAIRMENT AND THIN CORPUS CALLOSUM; Spastic Paraplegia 11; Nakamura Osame syndrome; Autosomal recessive hereditary spastic paraplegia, mental impairment, and thin corpus callosum; Spastic paraplegia, mental retardation and thin corpus callosum. Identifiers: Orphanet 2822, MedGen C1858479, MONDO:0011445, OMIM 604360.
Inborn genetic diseases. Identifiers: MedGen C0950123, MeSH D030342.

Allele frequency attached by ClinVar (database versions not stated): gnomAD 0.00012 and 0.00014; gnomAD exomes 0.00013 and 0.00025; TOPMed 0.00014; ESP Exome Variant Server 0.00015; ExAC 0.00020.
gnomAD v4.1: 227 of 1,613,668 alleles (0.014%); highest among the groups gnomAD compares: Admixed American, 0.0083%; no homozygotes.

Submissions (6):

CeGaT Center for Human Genetics Tuebingen
Classification: Likely benign. Last evaluated: 2026-03-01. Review status: criteria provided, single submitter. Criteria: CeGaT Center For Human Genetics Tuebingen Variant Classification Criteria Version 2. Collection method: clinical testing. Allele origin: germline. Affected: yes. Observed: 1 variant allele.
Comment: SPG11: BP4, BP7

Labcorp Genetics (formerly Invitae), Labcorp
Classification: Benign for Hereditary spastic paraplegia 11. Last evaluated: 2026-01-13. Review status: criteria provided, single submitter. Criteria: Invitae Variant Classification Sherloc (09022015). Collection method: clinical testing. Allele origin: germline.

Blueprint Genetics
Classification: Likely benign. Last evaluated: 2024-09-12. Review status: criteria provided, single submitter. Criteria: ACMG Guidelines, 2015. Collection method: clinical testing. Allele origin: germline.

GeneDx
Classification: Likely benign. Last evaluated: 2019-10-22. Review status: criteria provided, single submitter. Criteria: GeneDx Variant Classification Process June 2021. Collection method: clinical testing. Allele origin: germline. Affected: yes.

Ambry Genetics
Classification: Likely benign for Inborn genetic diseases. Last evaluated: 2019-07-11. Review status: criteria provided, single submitter. Criteria: Ambry Variant Classification Scheme 2023. Collection method: clinical testing. Allele origin: germline.

Illumina Laboratory Services, Illumina
Classification: Uncertain significance for Hereditary spastic paraplegia 11. Last evaluated: 2018-01-13. Review status: criteria provided, single submitter. Criteria: ICSL Variant Classification Criteria 13 December 2019. Collection method: clinical testing. Allele origin: germline.

NM_025137.4(SPG11):c.4410C>T (p.Leu1470=)

Gene: SPG11 (SPG11 vesicle trafficking associated, spatacsin; minus strand). Cytogenetic location: 15q21.1.
Variant type: single nucleotide variant.
Coding change: c.4410C>T on transcript NM_025137.4 (MANE Select); coding-DNA position 4410, C replaced by T.
Protein change: p.Leu1470=; no amino-acid change (leucine 1470 retained).
Molecular consequence: synonymous variant.
Genome position (GRCh38, 1-based): chr15:44,596,107, G>A on the plus strand (C>T on the coding strand, the complement: SPG11 is on the minus strand). VCF-style: chr15-44596107-G-A. GRCh37 (hg19) VCF-style: chr15-44888305-G-A.
Other names: c.4410C>T, p.Leu1470= (NM_001160227.2).
Identifiers: ClinVar variation 534906 (VCV000534906.26), dbSNP rs145579121, ClinGen allele CA7534698.